The following is an entry in ClinVar:

NM_000069.3(CACNA1S):c.2395A>G (p.Thr799Ala)

Gene: CACNA1S (calcium voltage-gated channel subunit alpha1 S; minus strand). Cytogenetic location: 1q32.1.
Variant type: single nucleotide variant.
Coding change: c.2395A>G on transcript NM_000069.3 (MANE Select); coding-DNA position 2395, A replaced by G.
Protein change: p.Thr799Ala; replaces threonine 799 with alanine.
Molecular consequence: missense variant.
Genome position (GRCh38, 1-based): chr1:201,069,567, T>C on the plus strand (A>G on the coding strand, the complement: CACNA1S is on the minus strand). VCF-style: chr1-201069567-T-C. GRCh37 (hg19) VCF-style: chr1-201038695-T-C.
Other names: short protein forms T799A.
Identifiers: ClinVar variation 3074813 (VCV003074813.9), dbSNP rs1572042622, ClinGen allele CA344107677.

ClinVar aggregate classification (germline): Uncertain significance. Review status: criteria provided, multiple submitters, no conflicts (2 of 4 stars). 2 submissions from 2 submitters: Uncertain significance (2). Last evaluated 2025-08-01.

Conditions:
Malignant hyperthermia, susceptibility to, 5 (MHS5). Also called: CACNA1S-Related Malignant Hyperthermia Susceptibility. Identifiers: Orphanet 423, MedGen C1866077, MONDO:0011163, OMIM 601887.

Submissions (2):

CeGaT Center for Human Genetics Tuebingen
Classification: Uncertain significance. Last evaluated: 2025-08-01. Review status: criteria provided, single submitter. Criteria: CeGaT Center For Human Genetics Tuebingen Variant Classification Criteria Version 2. Collection method: clinical testing. Allele origin: germline. Affected: yes. Observed: 1 variant allele.
Comment: CACNA1S: PM2

All of Us Research Program, National Institutes of Health
Classification: Uncertain significance for Malignant hyperthermia, susceptibility to, 5. Last evaluated: 2023-12-13. Review status: criteria provided, single submitter. Criteria: ACMG Guidelines, 2015. Collection method: clinical testing. Allele origin: germline. Inheritance: Autosomal dominant inheritance. Observed: 1 variant allele, 1 heterozygote.
Comment: This missense variant replaces threonine with alanine at codon 799 of the CACNA1S protein. Computational prediction suggests that this variant may not impact protein structure and function (internally defined REVEL score threshold <= 0.5, PMID: 27666373). To our knowledge, functional studies have not been reported for this variant. This variant has not been reported in individuals affected with CACNA1S-related disorders in the literature. This variant has not been identified in the general population by the Genome Aggregation Database (gnomAD). The available evidence is insufficient to determine the role of this variant in disease conclusively. Therefore, this variant is classified as a Variant of Uncertain Significance.

This study involves interpretation of variants in research participants for the purpose of population health screening. Participant phenotype was not available at the time of variant classification. Additional details can be found in publication PMID: 35346344, PMCID: PMC8962531